The following is an entry in ClinVar:

NM_007294.4(BRCA1):c.213-5T>C

Gene: BRCA1 (BRCA1 DNA repair associated; minus strand). Cytogenetic location: 17q21.31.
Variant type: single nucleotide variant.
Coding change: c.213-5T>C on transcript NM_007294.4 (MANE Select); 5 bases into the intron before coding-DNA position 213, T replaced by C.
Molecular consequence: intron variant.
Genome position (GRCh38, 1-based): chr17:43,104,961, A>G on the plus strand (T>C on the coding strand, the complement: BRCA1 is on the minus strand). VCF-style: chr17-43104961-A-G. GRCh37 (hg19) VCF-style: chr17-41256978-A-G.
Other names: c.72-5T>C (NM_001408458.1, NM_001407931.1, NM_001407747.1 and 99 more transcripts); c.-218-10101T>C (NM_001407967.1, NM_001407966.1); c.-169-5T>C (NM_001407959.1, NM_001407962.1, NM_001408512.1 and 4 more transcripts); c.3-5T>C (NM_001407885.1, NM_001407886.1, NM_001407898.1 and 58 more transcripts); c.213-5T>C (NM_001407686.1, NM_001408397.1, NM_001407632.1 and 167 more transcripts); c.81-5T>C (NM_001408451.1); c.135-5T>C (NM_001408475.1, NM_001407875.1, NM_001407659.1 and 21 more transcripts).
Identifiers: ClinVar variation 865559 (VCV000865559.3), dbSNP rs886038196, ClinGen allele CA916080848.

Conditions:
Breast-ovarian cancer, familial, susceptibility to, 1 (BROVCA1). Also called: BRCA1 Hereditary Breast and Ovarian Cancer; OVARIAN CANCER, SUSCEPTIBILITY TO. Identifiers: Orphanet 145, MedGen C2676676, MONDO:0011450, OMIM 604370. Disease mechanism: loss of function.

Submission:

Brotman Baty Institute, University of Washington
No classification provided (evidence only). Condition: Breast-ovarian cancer, familial 1. Review status: no classification provided. Collection method: in vitro. Allele origin: not applicable. Functional consequence: functionally_abnormal.
ClinVar note: "not provided" was previously submitted as the classification for the variant. However, the classification appeared to be based only on an observation of functional data so it was converted to no classification on 2025-07-30.